The following is an entry in ClinVar:

ClinVar aggregate classification (germline): Uncertain significance (1 of 4 stars; one submission).

Conditions:
Inborn genetic diseases. Identifiers: MedGen C0950123, MeSH D030342.

gnomAD v4.1: 11 of 1,613,972 alleles (0.00068%); highest among the groups gnomAD compares: East Asian, 0.0089%; no homozygotes.

Submission:

Ambry Genetics
Classification: Uncertain significance for Inborn genetic diseases. Last evaluated: 2026-01-09. Review status: criteria provided, single submitter. Criteria: Ambry Variant Classification Scheme 2023. Collection method: clinical testing. Allele origin: germline.
Comment: The c.4180C>T (p.R1394C) alteration is located in exon 13 (coding exon 13) of the OBSL1 gene. This alteration results from a C to T substitution at nucleotide position 4180, causing the arginine (R) at amino acid position 1394 to be replaced by a cysteine (C). Based on data from gnomAD, the T allele has an overall frequency of 0.002% (4/249118) total alleles studied. The highest observed frequency was 0.011% (2/17966) of East Asian alleles. Based on insufficient or conflicting evidence, the clinical significance of this alteration remains unclear.

NM_015311.3(OBSL1):c.4180C>T (p.Arg1394Cys)

Gene: OBSL1 (obscurin like cytoskeletal adaptor 1; minus strand). Cytogenetic location: 2q35.
Variant type: single nucleotide variant.
Coding change: c.4180C>T on transcript NM_015311.3 (MANE Select); coding-DNA position 4180, C replaced by T.
Protein change: p.Arg1394Cys; replaces arginine 1394 with cysteine.
Molecular consequence: missense variant.
Genome position (GRCh38, 1-based): chr2:219,556,610, G>A on the plus strand (C>T on the coding strand, the complement: OBSL1 is on the minus strand). VCF-style: chr2-219556610-G-A. GRCh37 (hg19) VCF-style: chr2-220421332-G-A.
Other names: c.4180C>T, p.Arg1394Cys (NM_001173431.2); short protein forms R1394C.
Identifiers: ClinVar variation 4827962 (VCV004827962.1).